The following is an entry in ClinVar:

NM_177438.3(DICER1):c.696T>C (p.Ser232=)

Gene: DICER1 (dicer 1, ribonuclease III; minus strand). Cytogenetic location: 14q32.13.
Variant type: single nucleotide variant.
Coding change: c.696T>C on transcript NM_177438.3 (MANE Select); coding-DNA position 696, T replaced by C.
Protein change: p.Ser232=; no amino-acid change (serine 232 retained).
Molecular consequence: synonymous variant.
Genome position (GRCh38, 1-based): chr14:95,129,510, A>G on the plus strand (T>C on the coding strand, the complement: DICER1 is on the minus strand). VCF-style: chr14-95129510-A-G. GRCh37 (hg19) VCF-style: chr14-95595847-A-G.
Other names: c.696T>C, p.Ser232= (NM_001195573.1, NM_001271282.3, NM_001291628.2 and 1 more transcripts).
Identifiers: ClinVar variation 483412 (VCV000483412.16), dbSNP rs147505764, ClinGen allele CA7331599.

ClinVar aggregate classification (germline): Benign/Likely benign. Review status: criteria provided, multiple submitters, no conflicts (2 of 4 stars). 3 submissions from 3 submitters: Benign (1); Likely benign (2). Last evaluated 2026-04-15.

Conditions:
Hereditary cancer-predisposing syndrome. Also called: Hereditary neoplastic syndrome; Neoplastic Syndromes, Hereditary; Hereditary Cancer Syndrome; Tumor predisposition. Identifiers: Orphanet 140162, MedGen C0027672, MeSH D009386, MONDO:0015356.
DICER1-related tumor predisposition. Also called: DICER1-related pleuropulmonary blastoma cancer predisposition syndrome; DICER1 syndrome. Identifiers: Orphanet 284343, MedGen C3839822, MONDO:0100216.

Allele frequency attached by ClinVar (database versions not stated): gnomAD exomes below 0.00001 and 0.00001; 1000 Genomes Project 0.00020; ExAC 0.00002; 1000 Genomes Project 30x 0.00016; gnomAD 0.00001; TOPMed 0.00001.
gnomAD v4.1: 2 of 1,613,914 alleles (0.00012%); highest among the groups gnomAD compares: East Asian, 0.0045%; no homozygotes.

Submissions (3):

Myriad Genetics, Inc.
Classification: Benign for DICER1-related tumor predisposition. Last evaluated: 2026-04-15. Review status: criteria provided, single submitter. Criteria: Myriad Autosomal Dominant, Autosomal Recessive and X-Linked Classification Criteria (2023). Collection method: clinical testing. Allele origin: unknown.
Comment: This variant is considered benign. This variant is a silent/synonymous amino acid change and it is not expected to impact splicing.

Labcorp Genetics (formerly Invitae), Labcorp
Classification: Likely benign for DICER1-related tumor predisposition. Last evaluated: 2025-12-02. Review status: criteria provided, single submitter. Criteria: Invitae Variant Classification Sherloc (09022015). Collection method: clinical testing. Allele origin: germline.

Ambry Genetics
Classification: Likely benign for Hereditary cancer-predisposing syndrome. Last evaluated: 2019-07-15. Review status: criteria provided, single submitter. Criteria: Ambry Variant Classification Scheme 2023. Collection method: clinical testing. Allele origin: germline.